The following is an entry in ClinVar:

NM_198129.4(LAMA3):c.4547C>T (p.Ala1516Val)

Gene: LAMA3 (laminin subunit alpha 3; plus strand). Cytogenetic location: 18q11.2.
Variant type: single nucleotide variant.
Coding change: c.4547C>T on transcript NM_198129.4 (MANE Select); coding-DNA position 4547, C replaced by T.
Protein change: p.Ala1516Val; replaces alanine 1516 with valine.
Molecular consequence: missense variant.
Genome position (GRCh38, 1-based): chr18:23,861,770, C>T. VCF-style: chr18-23861770-C-T. GRCh37 (hg19) VCF-style: chr18-21441734-C-T.
Other names: c.4547C>T, p.Ala1516Val (NM_001127717.4); short protein forms A1516V.
Identifiers: ClinVar variation 2407083 (VCV002407083.5), dbSNP rs759552468, ClinGen allele CA8915641.

ClinVar aggregate classification (germline): Uncertain significance. Review status: criteria provided, multiple submitters, no conflicts (2 of 4 stars). 2 submissions from 2 submitters: Uncertain significance (2). Last evaluated 2023-06-02.

Conditions:
Inborn genetic diseases. Identifiers: MedGen C0950123, MeSH D030342.
Laryngo-onycho-cutaneous syndrome (JEB2C). Also called: SHABBIR SYNDROME; LOGIC SYNDROME; EPIDERMOLYSIS BULLOSA, JUNCTIONAL 2C, LARYNGOONYCHOCUTANEOUS. Identifiers: Orphanet 2407, MedGen C1328355, MONDO:0009513, OMIM 245660.

Allele frequency attached by ClinVar (database versions not stated): TOPMed 0.00001; gnomAD exomes 0.00003; ExAC 0.00004.

Submissions (2):

Neuberg Centre For Genomic Medicine, NCGM
Classification: Uncertain significance for Laryngo-onycho-cutaneous syndrome. Last evaluated: 2023-06-02. Review status: criteria provided, single submitter. Criteria: ACMG Guidelines, 2015. Collection method: clinical testing. Allele origin: germline. Inheritance: Autosomal recessive inheritance. Affected: yes.
Comment: The missense variant in c.1621A>G (p.Asn541Asp) in CACNA1E gene has not been reported previously as a pathogenic variant nor as a benign variant, to our knowledge. This variant is present with an allele frequency of 0.002% in gnomAD Exomes database. This variant has been submitted to the ClinVar database as Uncertain Significance. Computational evidence (SIFT - Tolerated and MutationTaster -polymorphism)predicts no damaging effect on protein structure and function for this variant. The reference amino acid in LAMA3 is predicted as conserved by GERP++ and PhyloP across 100 vertebrates. The amino acid Ala at position 1516 is changed to a Val changing protein sequence and it might alter its composition and physico-chemical properties. For these reasons, this variant has been classified as Uncertain Significance (VUS).

Ambry Genetics
Classification: Uncertain significance for Inborn genetic diseases. Last evaluated: 2022-06-27. Review status: criteria provided, single submitter. Criteria: Ambry Variant Classification Scheme 2023. Collection method: clinical testing. Allele origin: germline.